The following is an entry in ClinVar:

NM_000069.3(CACNA1S):c.5371-19C>T

Gene: CACNA1S (calcium voltage-gated channel subunit alpha1 S; minus strand). Cytogenetic location: 1q32.1.
Variant type: single nucleotide variant.
Coding change: c.5371-19C>T on transcript NM_000069.3 (MANE Select); 19 bases into the intron before coding-DNA position 5371, C replaced by T.
Molecular consequence: intron variant.
Genome position (GRCh38, 1-based): chr1:201,040,101, G>A on the plus strand (C>T on the coding strand, the complement: CACNA1S is on the minus strand). VCF-style: chr1-201040101-G-A. GRCh37 (hg19) VCF-style: chr1-201009229-G-A.
Identifiers: ClinVar variation 254846 (VCV000254846.12), dbSNP rs201064986, ClinGen allele CA083828.

ClinVar aggregate classification (germline): Benign/Likely benign. Review status: criteria provided, multiple submitters, no conflicts (2 of 4 stars). 9 submissions from 6 submitters: Benign (5); Likely benign (4). Last evaluated 2026-01-19.

Conditions:
Congenital myopathy 18. Also called: Myopathy, congenital, due to dihydropyridine receptor defect; DIHYDROPYRIDINE RECEPTOR CONGENITAL MYOPATHY; DHPR CONGENITAL MYOPATHY. Identifiers: MedGen C5830283, MONDO:0859514, OMIM 620246.
Hypokalemic periodic paralysis, type 1. Also called: Hypokalemic Periodic Paralysis Type 1 (AD); HypoPP. Identifiers: Orphanet 681, MedGen C3714580, MONDO:0042979, OMIM 170400.
Malignant hyperthermia, susceptibility to, 5 (MHS5). Also called: CACNA1S-Related Malignant Hyperthermia Susceptibility. Identifiers: Orphanet 423, MedGen C1866077, MONDO:0011163, OMIM 601887.
Thyrotoxic periodic paralysis, susceptibility to, 1 (TTPP1). Identifiers: Orphanet 79102, MedGen C2749982, MONDO:0008570, OMIM 188580.

Allele frequency attached by ClinVar (database versions not stated): gnomAD exomes 0.00009 and 0.00023; ExAC 0.00033; gnomAD 0.00117 and 0.00121; 1000 Genomes Project 30x 0.00125; ESP Exome Variant Server 0.00138; TOPMed 0.00138; 1000 Genomes Project 0.00140.
gnomAD v4.1: 326 of 1,613,880 alleles (0.02%); highest among the groups gnomAD compares: African/African-American, 0.37%; 3 homozygotes.

Submissions (9):

Labcorp Genetics (formerly Invitae), Labcorp
Classification: Benign for Hypokalemic periodic paralysis, type 1; Malignant hyperthermia, susceptibility to, 5. Last evaluated: 2026-01-19. Review status: criteria provided, single submitter. Criteria: Invitae Variant Classification Sherloc (09022015). Collection method: clinical testing. Allele origin: germline.

Blueprint Genetics
Classification: Likely benign. Last evaluated: 2024-06-20. Review status: criteria provided, single submitter. Criteria: ACMG Guidelines, 2015. Collection method: clinical testing. Allele origin: germline.

Genome-Nilou Lab
Classification: Benign for Malignant hyperthermia, susceptibility to, 5. Last evaluated: 2023-04-11. Review status: criteria provided, single submitter. Criteria: ACMG Guidelines, 2015. Collection method: clinical testing. Allele origin: germline. Affected: no.

Genome-Nilou Lab
Classification: Benign for Thyrotoxic periodic paralysis, susceptibility to, 1. Last evaluated: 2023-04-11. Review status: criteria provided, single submitter. Criteria: ACMG Guidelines, 2015. Collection method: clinical testing. Allele origin: germline. Affected: no.

Genome-Nilou Lab
Classification: Benign for Congenital myopathy 18. Last evaluated: 2023-04-11. Review status: criteria provided, single submitter. Criteria: ACMG Guidelines, 2015. Collection method: clinical testing. Allele origin: germline. Affected: no.

Genome-Nilou Lab
Classification: Benign for Hypokalemic periodic paralysis, type 1. Last evaluated: 2023-04-11. Review status: criteria provided, single submitter. Criteria: ACMG Guidelines, 2015. Collection method: clinical testing. Allele origin: germline. Affected: no.

Fulgent Genetics
Classification: Likely benign for Hypokalemic periodic paralysis, type 1; Thyrotoxic periodic paralysis, susceptibility to, 1; Malignant hyperthermia, susceptibility to, 5. Last evaluated: 2021-08-02. Review status: criteria provided, single submitter. Criteria: ACMG Guidelines, 2015. Collection method: clinical testing. Allele origin: unknown.

GeneDx
Classification: Likely benign. Last evaluated: 2018-01-26. Review status: criteria provided, single submitter. Criteria: GeneDx Variant Classification (06012015). Collection method: clinical testing. Allele origin: germline. Affected: yes.
Comment: This variant is considered likely benign or benign based on one or more of the following criteria: it is a conservative change, it occurs at a poorly conserved position in the protein, it is predicted to be benign by multiple in silico algorithms, and/or has population frequency not consistent with disease.

PreventionGenetics, part of Exact Sciences
Classification: Likely benign. Review status: criteria provided, single submitter. Criteria: ACMG Guidelines, 2015. Collection method: clinical testing. Allele origin: germline.